The following is an entry in ClinVar:

NM_001458.5(FLNC):c.655C>G (p.Arg219Gly)

Gene: FLNC (filamin C; plus strand). Cytogenetic location: 7q32.1.
Variant type: single nucleotide variant.
Coding change: c.655C>G on transcript NM_001458.5 (MANE Select); coding-DNA position 655, C replaced by G.
Protein change: p.Arg219Gly; replaces arginine 219 with glycine.
Molecular consequence: missense variant.
Genome position (GRCh38, 1-based): chr7:128,837,213, C>G. VCF-style: chr7-128837213-C-G. GRCh37 (hg19) VCF-style: chr7-128477267-C-G.
Other names: c.655C>G, p.Arg219Gly (NM_001127487.2); short protein forms R219G.
Identifiers: ClinVar variation 3516031 (VCV003516031.2).

ClinVar aggregate classification (germline): Uncertain significance. Review status: criteria provided, multiple submitters, no conflicts (2 of 4 stars). 2 submissions from 2 submitters: Uncertain significance (2). Last evaluated 2025-06-22.

Conditions:
Distal myopathy with posterior leg and anterior hand involvement. Also called: WILLIAMS DISTAL MYOPATHY. Identifiers: Orphanet 63273, MedGen C3279722, MONDO:0013550, OMIM 614065.
Hypertrophic cardiomyopathy 26. Also called: Cardiomyopathy, familial hypertrophic, 26. Identifiers: Orphanet 75249, MedGen C4310749, MONDO:0014883, OMIM 617047.
Myofibrillar myopathy 5. Also called: Filaminopathy (type); FILAMINOPATHY, AUTOSOMAL DOMINANT. Identifiers: Orphanet 171445, MedGen C1836050, MONDO:0012289, OMIM 609524.
Cardiovascular phenotype. Identifiers: MedGen CN230736.

Submissions (2):

Labcorp Genetics (formerly Invitae), Labcorp
Classification: Uncertain significance for Distal myopathy with posterior leg and anterior hand involvement; Myofibrillar myopathy 5; Hypertrophic cardiomyopathy 26. Last evaluated: 2025-06-22. Review status: criteria provided, single submitter. Criteria: Invitae Variant Classification Sherloc (09022015). Collection method: clinical testing. Allele origin: germline.
Comment: This sequence change replaces arginine, which is basic and polar, with glycine, which is neutral and non-polar, at codon 219 of the FLNC protein (p.Arg219Gly). This variant is not present in population databases (gnomAD no frequency). This variant has not been reported in the literature in individuals affected with FLNC-related conditions. ClinVar contains an entry for this variant (Variation ID: 3516031). Invitae Evidence Modeling of protein sequence and biophysical properties (such as structural, functional, and spatial information, amino acid conservation, physicochemical variation, residue mobility, and thermodynamic stability) has been performed for this missense variant. However, the output from this modeling did not meet the statistical confidence thresholds required to predict the impact of this variant on FLNC protein function. In summary, the available evidence is currently insufficient to determine the role of this variant in disease. Therefore, it has been classified as a Variant of Uncertain Significance.

Ambry Genetics
Classification: Uncertain significance for Cardiovascular phenotype. Last evaluated: 2024-09-11. Review status: criteria provided, single submitter. Criteria: Ambry Variant Classification Scheme 2023. Collection method: clinical testing. Allele origin: germline.